The following is an entry in ClinVar:

ClinVar aggregate classification (germline): Uncertain significance (1 of 4 stars; one submission).

Conditions:
Familial adenomatous polyposis 1 (FAP1). Also called: FAMILIAL ADENOMATOUS POLYPOSIS 1, ATTENUATED; POLYPOSIS, ADENOMATOUS INTESTINAL. Identifiers: MedGen C2713442, MONDO:0021056, OMIM 175100. Disease mechanism: loss of function.

Allele frequency attached by ClinVar (database versions not stated): gnomAD 0.00005; TOPMed 0.00006.

Submission:

Labcorp Genetics (formerly Invitae), Labcorp
Classification: Uncertain significance for Familial adenomatous polyposis 1. Last evaluated: 2026-02-02. Review status: criteria provided, single submitter. Criteria: Invitae Variant Classification Sherloc (09022015). Collection method: clinical testing. Allele origin: germline.
Comment: This variant occurs in a non-coding region of the APC gene. It does not change the encoded amino acid sequence of the APC protein. This variant is present in population databases (no rsID available, gnomAD 0.02%). This variant has not been reported in the literature in individuals affected with APC-related conditions. ClinVar contains an entry for this variant (Variation ID: 537604). Experimental studies and prediction algorithms are not available or were not evaluated, and the functional significance of this variant is currently unknown. In summary, the available evidence is currently insufficient to determine the role of this variant in disease. Therefore, it has been classified as a Variant of Uncertain Significance.

NC_000005.10:g.112707443A>G

Gene: APC (APC regulator of Wnt signaling pathway; plus strand). Cytogenetic location: 5q22.2.
Variant type: single nucleotide variant.
Genome position: GRCh38 VCF-style: chr5-112707443-A-G. GRCh37 (hg19) VCF-style: chr5-112043140-A-G.
Identifiers: ClinVar variation 537604 (VCV000537604.10), dbSNP rs911239343, ClinGen allele CA124924675.